The following is an entry in ClinVar:

ClinVar aggregate classification (germline): Uncertain significance (1 of 4 stars; one submission).

Allele frequency attached by ClinVar (database versions not stated): gnomAD exomes 0.00001.
gnomAD v4.1: 7 of 1,614,146 alleles (0.00043%); highest among the groups gnomAD compares: East Asian, 0.0022%; no homozygotes.

Submission:

GeneDx
Classification: Uncertain significance. Last evaluated: 2015-04-03. Review status: criteria provided, single submitter. Criteria: GeneDx Variant Classification (06012015). Collection method: clinical testing. Allele origin: germline. Affected: yes.
Comment: p.Ile401Val (I401V) ATT>GTT: c.1201 A>G in exon 9 of the FBN2 gene (NM_001999.3) Mutations in the FBN2 gene have been reported in 27-75% of patients with autosomal dominant congenital contractural arachnodactyly, which is associated with a risk of aortic root dilatation (Godfrey M et al., 2012). The I401V variant has not been published as a mutation, nor has it been reported as a benign polymorphism to our knowledge. The I401V variant was not observed in approximately 6,500 individuals of European and African American ancestry in the NHLBI Exome Sequencing Project, indicating it is not a common benign variant in these populations. This substitution occurs at a position that is class conserved across species. However, the I401V variant is a conservative amino acid substitution, which is not likely to impact secondary protein structure as these residues share similar properties. In silico analysis predicts this variant likely does not alter the protein structure/function. Furthermore, missense mutations in nearby residues have not been reported, indicating this region of the protein may be tolerant of change. Therefore, based on the currently available information, it is unclear whether this variant is a pathogenic mutation or a rare benign variant.This variant was found in TAADV2-1

NM_001999.4(FBN2):c.1201A>G (p.Ile401Val)

Gene: FBN2 (fibrillin 2; minus strand). Cytogenetic location: 5q23.3.
Variant type: single nucleotide variant.
Coding change: c.1201A>G on transcript NM_001999.4 (MANE Select); coding-DNA position 1201, A replaced by G.
Protein change: p.Ile401Val; replaces isoleucine 401 with valine.
Molecular consequence: missense variant.
Genome position (GRCh38, 1-based): chr5:128,395,152, T>C on the plus strand (A>G on the coding strand, the complement: FBN2 is on the minus strand). VCF-style: chr5-128395152-T-C. GRCh37 (hg19) VCF-style: chr5-127730845-T-C.
Other names: short protein forms I401V.
Identifiers: ClinVar variation 213269 (VCV000213269.2), dbSNP rs863223549, ClinGen allele CA323282.